The following is an entry in ClinVar:

ClinVar aggregate classification (germline): Uncertain significance. Review status: criteria provided, multiple submitters, no conflicts (2 of 4 stars). 2 submissions from 2 submitters: Uncertain significance (2). Last evaluated 2025-06-13.

Conditions:
Inborn genetic diseases. Identifiers: MedGen C0950123, MeSH D030342.
Acute myeloid leukemia (AML). Also called: Leukemia, acute myeloid, somatic; Leukemia, acute myelogenous, somatic; Acute myeloid leukemia, adult; AML adult; Acute non-lymphocytic leukemia; Acute granulocytic leukemia. Identifiers: Orphanet 519, MedGen C0023467, MeSH D015470, MONDO:0018874, OMIM 601626, HP:0004808. Disease mechanism: Constitutively activated FLT3.

gnomAD v4.1: 1 of 1,291,994 alleles (0.000077%); highest among the groups gnomAD compares: Non-Finnish European, 0.000098%; no homozygotes.

Submissions (2):

Ambry Genetics
Classification: Uncertain significance for Inborn genetic diseases. Last evaluated: 2025-06-13. Review status: criteria provided, single submitter. Criteria: Ambry Variant Classification Scheme 2023. Collection method: clinical testing. Allele origin: germline.
Comment: The p.P194R variant (also known as c.581C>G), located in coding exon 1 of the CEBPA gene, results from a C to G substitution at nucleotide position 581. The proline at codon 194 is replaced by arginine, an amino acid with dissimilar properties. This amino acid position is conserved. In addition, this alteration is predicted to be tolerated by in silico analysis. Based on the available evidence, the clinical significance of this variant remains unclear.

Labcorp Genetics (formerly Invitae), Labcorp
Classification: Uncertain significance for Acute myeloid leukemia. Last evaluated: 2023-12-22. Review status: criteria provided, single submitter. Criteria: Invitae Variant Classification Sherloc (09022015). Collection method: clinical testing. Allele origin: germline.
Comment: This sequence change replaces proline, which is neutral and non-polar, with arginine, which is basic and polar, at codon 194 of the CEBPA protein (p.Pro194Arg). This variant is not present in population databases (gnomAD no frequency). This variant has not been reported in the literature in individuals affected with CEBPA-related conditions. ClinVar contains an entry for this variant (Variation ID: 1430996). Advanced modeling of protein sequence and biophysical properties (such as structural, functional, and spatial information, amino acid conservation, physicochemical variation, residue mobility, and thermodynamic stability) performed at Invitae indicates that this missense variant is not expected to disrupt CEBPA protein function with a negative predictive value of 80%. In summary, the available evidence is currently insufficient to determine the role of this variant in disease. Therefore, it has been classified as a Variant of Uncertain Significance.

NM_004364.5(CEBPA):c.581C>G (p.Pro194Arg)

Gene: CEBPA (CCAAT enhancer binding protein alpha; minus strand). Cytogenetic location: 19q13.11.
Variant type: single nucleotide variant.
Coding change: c.581C>G on transcript NM_004364.5 (MANE Select); coding-DNA position 581, C replaced by G.
Protein change: p.Pro194Arg; replaces proline 194 with arginine.
Molecular consequence: missense variant.
Genome position (GRCh38, 1-based): chr19:33,301,834, G>C on the plus strand (C>G on the coding strand, the complement: CEBPA is on the minus strand). VCF-style: chr19-33301834-G-C. GRCh37 (hg19) VCF-style: chr19-33792740-G-C.
Other names: c.224C>G, p.Pro75Arg (NM_001285829.2); c.686C>G, p.Pro229Arg (NM_001287424.2); c.539C>G, p.Pro180Arg (NM_001287435.2); c.581C>G (NM_004364.3); short protein forms P75R, P194R, P229R, P180R.
Identifiers: ClinVar variation 1430996 (VCV001430996.9), dbSNP rs1487598012, ClinGen allele CA405274645.
Genomic context (GRCh38, chr19:33,301,834, plus strand): 5'-CCGCAGTGCGCGATCTGGAACTGCAGGTGCGGGGCGGCCAGGTGCGCGGGCGGCGGGTGC[G>C]GGTGCGGGTGCGAGGGCGGCGGCGGCGGCGGCGGCTGGTAAGGGAAGAGGCCGGCCAGCG-3'
Protein context (NP_004355.2, residues 184-204): PPPPPPSHPH[Pro194Arg]HPPPAHLAAP